The following is an entry in ClinVar:

NM_000188.3(HK1):c.496-2A>G

Gene: HK1 (hexokinase 1; plus strand). Cytogenetic location: 10q22.1.
Variant type: single nucleotide variant.
Coding change: c.496-2A>G on transcript NM_000188.3 (MANE Select); the canonical splice acceptor site of the intron before coding-DNA position 496, A replaced by G.
Molecular consequence: splice acceptor variant. On other transcripts: intron variant (1).
Genome position (GRCh38, 1-based): chr10:69,368,534, A>G. VCF-style: chr10-69368534-A-G. GRCh37 (hg19) VCF-style: chr10-71128290-A-G.
Other names: c.496-2A>G (NM_000188.2); c.460-2A>G (NM_033500.2); c.601-2A>G (NM_001322365.2); c.508-2A>G (NM_033498.3, NM_033497.3, NM_001322364.2 and 1 more transcripts); c.493-2A>G (NM_033496.3); c.412-2A>G (NM_001322366.1); c.496-703A>G (NM_001322367.1).
Identifiers: ClinVar variation 2683108 (VCV002683108.3), dbSNP rs2540365504, ClinGen allele CA376913396.

ClinVar aggregate classification (germline): Uncertain significance. Review status: criteria provided, multiple submitters, no conflicts (2 of 4 stars). 3 submissions from 3 submitters: Uncertain significance (3). Last evaluated 2024-02-26.

Submissions (3):

Revvity Omics, Revvity
Classification: Uncertain significance. Last evaluated: 2024-02-26. Review status: criteria provided, single submitter. Criteria: ACMG Guidelines, 2015. Collection method: clinical testing. Allele origin: germline.

GeneDx
Classification: Uncertain significance. Last evaluated: 2023-10-24. Review status: criteria provided, single submitter. Criteria: GeneDx Variant Classification Process June 2021. Collection method: clinical testing. Allele origin: germline. Affected: yes.
Comment: Not observed at significant frequency in large population cohorts (gnomAD); Canonical splice site variant in a gene or region of a gene for which loss of function is not a well-established mechanism of disease; Has not been previously published as pathogenic or benign to our knowledge

Mayo Clinic Laboratories, Mayo Clinic
Classification: Uncertain significance. Last evaluated: 2022-09-27. Review status: criteria provided, single submitter. Criteria: ACMG Guidelines, 2015. Collection method: clinical testing. Allele origin: germline. Observed: 1 variant allele.
Comment: PM2, PVS1_moderate